The following is an entry in ClinVar:

ClinVar aggregate classification (germline): Conflicting classifications of pathogenicity. Review status: criteria provided, conflicting classifications (1 of 4 stars). 4 submissions from 3 submitters: Uncertain significance (2); Benign (1). 1 of the submissions does not count toward it. Last evaluated 2025-09-29.

Conditions:
HPGD-related disorder. Also called: HPGD-related disorders; HPGD-related condition.
Isolated congenital digital clubbing. Also called: ACROPACHY, HEREDITARY; CLUBBING OF DIGITS. Identifiers: Orphanet 217059, MedGen C0345408, MONDO:0007343, OMIM 119900.
Hypertrophic osteoarthropathy, primary, autosomal recessive, 1 (PHOAR1). Also called: PHO, AUTOSOMAL RECESSIVE. Identifiers: Orphanet 1525, Orphanet 2796, MedGen C4551679, MONDO:0024546, OMIM 259100.

Allele frequency attached by ClinVar (database versions not stated): gnomAD 0.00004 and 0.00007; ESP Exome Variant Server 0.00008; TOPMed 0.00008; gnomAD exomes 0.00011 and 0.00028; ExAC 0.00036; 1000 Genomes Project 30x 0.00047; 1000 Genomes Project 0.00060.
gnomAD v4.1: 163 of 1,608,768 alleles (0.01%); highest among the groups gnomAD compares: South Asian, 0.13%; 6 homozygotes.

Submissions (4):

Labcorp Genetics (formerly Invitae), Labcorp
Classification: Benign. Last evaluated: 2025-09-29. Review status: criteria provided, single submitter. Criteria: Invitae Variant Classification Sherloc (09022015). Collection method: clinical testing. Allele origin: germline.

Illumina Laboratory Services, Illumina
Classification: Uncertain significance for Isolated congenital digital clubbing. Last evaluated: 2018-01-13. Review status: criteria provided, single submitter. Criteria: ICSL Variant Classification Criteria 13 December 2019. Collection method: clinical testing. Allele origin: germline.

Illumina Laboratory Services, Illumina
Classification: Uncertain significance for Hypertrophic osteoarthropathy, primary, autosomal recessive, 1. Last evaluated: 2018-01-13. Review status: criteria provided, single submitter. Criteria: ICSL Variant Classification Criteria 13 December 2019. Collection method: clinical testing. Allele origin: germline.

PreventionGenetics, part of Exact Sciences
Classification: Likely benign for HPGD-related condition. Last evaluated: 2019-04-05. Review status: no assertion criteria provided. Collection method: clinical testing. Allele origin: germline. Not counted in ClinVar's aggregate classification.
Comment: This variant is classified as likely benign based on ACMG/AMP sequence variant interpretation guidelines (Richards et al. 2015 PMID: 25741868, with internal and published modifications).

NM_000860.6(HPGD):c.606A>G (p.Gln202=)

Gene: HPGD (15-hydroxyprostaglandin dehydrogenase; minus strand). Cytogenetic location: 4q34.1.
Variant type: single nucleotide variant.
Coding change: c.606A>G on transcript NM_000860.6 (MANE Select); coding-DNA position 606, A replaced by G.
Protein change: p.Gln202=; no amino-acid change (glutamine 202 retained).
Molecular consequence: synonymous variant. On other transcripts: intron variant (2).
Genome position (GRCh38, 1-based): chr4:174,493,207, T>C on the plus strand (A>G on the coding strand, the complement: HPGD is on the minus strand). VCF-style: chr4-174493207-T-C. GRCh37 (hg19) VCF-style: chr4-175414358-T-C.
Other names: c.243A>G, p.Gln81= (NM_001256301.1, NM_001256307.2); c.402A>G, p.Gln134= (NM_001256306.2); c.422-1113A>G (NM_001256305.2); c.499-1113A>G (NM_001145816.3).
Identifiers: ClinVar variation 796877 (VCV000796877.14), dbSNP rs374385011, ClinGen allele CA3142210.